The following is an entry in ClinVar:

ClinVar aggregate classification (germline): Uncertain significance (1 of 4 stars; one submission).

Conditions:
Inborn genetic diseases. Identifiers: MedGen C0950123, MeSH D030342.

Submission:

Ambry Genetics
Classification: Uncertain significance for Inborn genetic diseases. Last evaluated: 2026-08-29. Review status: criteria provided, single submitter. Criteria: Ambry Variant Classification Scheme 2023. Collection method: clinical testing. Allele origin: germline.
Comment: The p.F45S variant (also known as c.134T>C), located in coding exon 2 of the CEP57 gene, results from a T to C substitution at nucleotide position 134. The phenylalanine at codon 45 is replaced by serine, an amino acid with highly dissimilar properties. This amino acid position is conserved. In addition, this alteration is predicted to be deleterious by in silico analysis. Based on the available evidence, the clinical significance of this variant remains unclear.

NM_014679.5(CEP57):c.134T>C (p.Phe45Ser)

Gene: CEP57 (centrosomal protein 57; plus strand). Cytogenetic location: 11q21.
Variant type: single nucleotide variant.
Coding change: c.134T>C on transcript NM_014679.5 (MANE Select); coding-DNA position 134, T replaced by C.
Protein change: p.Phe45Ser; replaces phenylalanine 45 with serine.
Molecular consequence: missense variant.
Genome position (GRCh38, 1-based): chr11:95,799,320, T>C. VCF-style: chr11-95799320-T-C. GRCh37 (hg19) VCF-style: chr11-95532484-T-C.
Other names: c.107T>C, p.Phe36Ser (NM_001243776.2); c.134T>C, p.Phe45Ser (NM_001243777.2, NM_001440871.1, NM_001440872.1 and 6 more transcripts); c.53T>C, p.Phe18Ser (NM_001363604.2, NM_001440869.1, NM_001440870.1 and 4 more transcripts); short protein forms F18S, F36S, F45S.
Identifiers: ClinVar variation 5034388 (VCV005034388.1).